The following is an entry in ClinVar:

NM_006277.3(ITSN2):c.4473G>A (p.Thr1491=)

Gene: ITSN2 (intersectin 2; minus strand). Cytogenetic location: 2p23.3.
Variant type: single nucleotide variant.
Coding change: c.4473G>A on transcript NM_006277.3 (MANE Select); coding-DNA position 4473, G replaced by A.
Protein change: p.Thr1491=; no amino-acid change (threonine 1491 retained).
Molecular consequence: synonymous variant.
Genome position (GRCh38, 1-based): chr2:24,209,818, C>T on the plus strand (G>A on the coding strand, the complement: ITSN2 is on the minus strand). VCF-style: chr2-24209818-C-T. GRCh37 (hg19) VCF-style: chr2-24432687-C-T.
Other names: c.4431G>A, p.Thr1477= (NM_001348181.2); c.4353G>A, p.Thr1451= (NM_001348182.2); c.4392G>A, p.Thr1464= (NM_019595.4).
Identifiers: ClinVar variation 2636208 (VCV002636208.2), dbSNP rs768842538, ClinGen allele CA1550589.
Genomic context (GRCh38, chr2:24,209,818, plus strand): 5'-TAAGATAGAGGCAACACCTCATTAGGCCCCTGATGCTACCCCCAGACGCGTGATACTCAC[C>T]GTTTTATACATTTTGAATTGAGCATTGGACTTCGAGCTGAAAAGTTTCTCAGAGCCAGAG-3'
Protein context (NP_006268.2, residues 1481-1501): KSNAQFKMYK[Thr1491=]PIFLNEVLVK

ClinVar aggregate classification (germline): Uncertain significance (1 of 4 stars; one submission).

Conditions:
ITSN2-related disorder. Also called: ITSN2-related condition.

Allele frequency attached by ClinVar (database versions not stated): ExAC 0.00006.
gnomAD v4.1: 43 of 1,612,706 alleles (0.0027%); highest among the groups gnomAD compares: South Asian, 0.04%; no homozygotes.

Submission:

PreventionGenetics, part of Exact Sciences
Classification: Uncertain significance for ITSN2-related condition. Last evaluated: 2025-08-08. Review status: criteria provided, single submitter. Criteria: ACMG Guidelines, 2015. Collection method: clinical testing. Allele origin: germline.
Comment: The ITSN2 c.4473G>A variant is not predicted to result in an amino acid change (p.=). This variant corresponds to a post-coding position in an alternate transcript for this gene (NM_147152:c.*11076G>A). This variant occurs at the last nucleotide of the exon in NM_006277 and is predicted to weaken the canonical donor splice site (Alamut Visual Plus v1.6.1). To our knowledge, this variant has not been reported in the literature. This variant is reported in 0.036% of alleles in individuals of South Asian descent in gnomAD. At this time, the clinical significance of this variant is uncertain due to the absence of conclusive functional and genetic evidence.